The following continues an entry in ClinVar:

NM_000059.4(BRCA2):c.3847_3848del (p.Val1283fs)

Gene: BRCA2. ClinVar aggregate classification (germline): Pathogenic. Pathogenic (1).

Submissions 12 to 23 of 65:

Variantyx, Inc.
Classification: Pathogenic for Breast-ovarian cancer, familial, susceptibility to, 2. Last evaluated: 2025-08-28. Review status: criteria provided, single submitter. Criteria: Variantyx Assertion Criteria 2022. Collection method: clinical testing. Allele origin: germline. Inheritance: Autosomal dominant inheritance. Not counted in ClinVar's aggregate classification.
Comment: This is a frameshift variant in the BRCA2 gene (OMIM: 600185). Pathogenic variants in this gene have been associated with autosomal dominant susceptibility to familial breast-ovarian cancer 2. This variant introduces a premature termination codon in exon 11 out of 27 and is expected to result in loss of function, which is a known disease mechanism for BRCA2 in this disorder (PMID: 22144684) (PVS1). This variant has been reported in several unrelated affected individuals (PMID: 29321669, 29339979) (PS4_Moderate). This variant has a 0.0050% maximum allele frequency in non-founder control populations (PM2). Other reputable laboratories have reported this variant as pathogenic or likely pathogenic, and this classification has been validated by an expert panel in ClinVar (PP5). Based on the current evidence, this variant is classified as pathogenic for autosomal dominant susceptibility to familial breast-ovarian cancer 2.

ARUP Laboratories, Molecular Genetics and Genomics, ARUP Laboratories
Classification: Pathogenic. Last evaluated: 2025-07-08. Review status: criteria provided, single submitter. Criteria: ARUP Molecular Germline Variant Investigation Process 2024. Collection method: clinical testing. Allele origin: germline. Not counted in ClinVar's aggregate classification.
Comment: The BRCA2 c.3847_3848del; p.Val1283LysfsTer2 variant (rs80359405), also known as 4075delGT, is published in the medical literature in individuals with several types of cancer and families with HBOC (Borg 2010, Garre 2015, Susswein 2016, Wojcik 2016). This variant is reported in ClinVar (Variation ID: 37859) and is classified as pathogenic by the evidence-based network for the interpretation of germline mutant alleles (ENIGMA) expert panel (see link to ENIGMA consortium classification criteria). This variant is found in the general population with an overall allele frequency of 0.0051% (12/235838 alleles) in the Genome Aggregation Database. This variant deletes two nucleotides, so it is predicted to result in a truncated protein or mRNA subject to nonsense-mediated decay. Based on available information, this variant is considered to be pathogenic. References: Link to ENIGMA classification criteria: Borg A et al. Characterization of BRCA1 and BRCA2 deleterious mutations and variants of unknown clinical significance in unilateral and bilateral breast cancer: the WECARE study. Hum Mutat. 2010 Mar;31(3):E1200-40. Garre P et al. BRCA2 gene: a candidate for clinical testing in familial colorectal cancer type X. Clin Genet. 2015 Jun;87(6):582-7. Susswein LR et al. Pathogenic and likely pathogenic variant prevalence among the first 10,000 patients referred for next-generation cancer panel testing. Genet Med. 2016 Aug;18(8):823-32. Wojcik P et al. Recurrent mutations of BRCA1, BRCA2 and PALB2 in the population of breast and ovarian cancer patients in Southern Poland. Hered Cancer Clin Pract. 2016 Feb 3;14:5.

GeneKor MSA
Classification: Pathogenic for Hereditary breast ovarian cancer syndrome. Last evaluated: 2025-06-25. Review status: criteria provided, single submitter. Criteria: ACMG Guidelines, 2015. Collection method: clinical testing. Allele origin: germline. Not counted in ClinVar's aggregate classification.
Comment: This is two-nucleotide deletion in exon 11 of the BRCA2 mRNA c.(3847_3848delGT), causing a frameshift at codon 1283. This creates a novel stop codon 2 amino acid residues later and is expected to result in a truncated, non-functional protein. Truncating variants in BRCA2 are known to be pathogenic. This alteration is present in population databases (rs80359405). This variant is also known as 4075delGT in the literature and it has been reported in several individuals and families affected with breast, ovarian, and prostate cancer (PMID:8589730, 21952622, 21324516, 23199084, 28324225, 29752822, 34657373). It was also shown to segregate with disease in a family with colorectal and other cancers (PMID:24814045). The mutation database ClinVar contains entries for this variant, where it is listed as pathogenic (VCV000037859.122). Based on the classification criteria set by the ACMG and AMP (PMID:25741868) this variant has been classified as pathogenic.

Color Diagnostics, LLC DBA Color Health
Classification: Pathogenic for Hereditary cancer-predisposing syndrome. Last evaluated: 2025-01-31. Review status: criteria provided, single submitter. Criteria: ACMG Guidelines, 2015. Collection method: clinical testing. Allele origin: germline. Not counted in ClinVar's aggregate classification.
Comment: This variant deletes 2 nucleotides in exon 11 of the BRCA2 gene, creating a frameshift and premature translation stop signal. This variant is expected to result in an absent or non-functional protein product. This variant has been observed in many individuals and families affected with breast and ovarian cancer (PMID: 8589730, 10790213, 17574839, 18465347, 18489799, 19016756, 19620486, 20104584, 21324516, 22752604, 23479189, 24156927, 24528374, 24728189, 28324225, 29752822, 33471991) and is reported as a common cause of hereditary breast and ovarian cancer in Norwegian and Danish populations (PMID: 23199084). This variant has been identified in 12/235838 chromosomes in the general population by the Genome Aggregation Database (gnomAD). Loss of BRCA2 function is a known mechanism of disease. Based on the available evidence, this variant is classified as Pathogenic.

Institute for Genomic Medicine (IGM) Clinical Laboratory, Nationwide Children's Hospital
Classification: Pathogenic for Hereditary cancer-predisposing syndrome. Last evaluated: 2025-01-27. Review status: criteria provided, single submitter. Criteria: ACMG Guidelines, 2015. Collection method: clinical testing. Allele origin: germline. Not counted in ClinVar's aggregate classification.
Comment: This variant is predicted to result in loss of function through nonsense-mediated decay of the encoded transcript or premature truncation of the encoded protein in a gene in which loss of function is a known mechanism of disease (ACMG/AMP: PVS1; PMIDs:29446198, 31209999). This variant has been reported at an elevated frequency in affected individuals/in multiple affected individuals in the literature (ACMG/AMP: PS4; PMIDs:23199084, 29446198, 29492181, 29907814, 31209999). This variant has been shown to segregate with disease in multiple affected family members (ACMG/AMP: PP1; PMID:32164353).

Revvity Omics, Revvity
Classification: Pathogenic. Last evaluated: 2024-12-19. Review status: criteria provided, single submitter. Criteria: ACMG Guidelines, 2015. Collection method: clinical testing. Allele origin: germline. Not counted in ClinVar's aggregate classification.

Centre for Clinical Genetics and Genomic Diagnostics, Zealand University Hospital
Classification: Pathogenic. Last evaluated: 2024-11-18. Review status: criteria provided, single submitter. Criteria: ACMG Guidelines, 2015. Collection method: clinical testing. Allele origin: germline. Not counted in ClinVar's aggregate classification.

Institute of Human Genetics, FAU Erlangen, Friedrich-Alexander-Universität Erlangen-Nürnberg
Classification: Pathogenic. Last evaluated: 2024-11-05. Review status: criteria provided, single submitter. Criteria: Hauer et al. (Genet Med. 2018). Collection method: clinical testing. Allele origin: germline. Inheritance: Unknown mechanism. Affected: yes. Observed: 1 variant allele. Not counted in ClinVar's aggregate classification.
Comment: This variant has been identified by standard clinical testing.

Molecular Diagnostics Laboratory, Catalan Institute of Oncology
Classification: Pathogenic for Hereditary cancer-predisposing syndrome. Last evaluated: 2024-10-07. Review status: criteria provided, single submitter. Criteria: ClinGen BRCA1BRCA2 ACMG Specifications BRCA2 V1.0.0. Collection method: clinical testing. Allele origin: germline. Not counted in ClinVar's aggregate classification.
Comment: PVS1, PM5_PTC_Strong c.3847_3848del, located in exon 11 of the BRCA2 gene, consists in the deletion of 2 nucleotides causing a premature protein truncation and nonsense-mediated mRNA decay; p.(Val1283Lysfs*2)(PVS1, PM5_PTC_Strong). This variant is found in 9/191262 in the gnomAD v2.1.1 database, exome non-cancer data set. This variant has been reported in the ClinVar database (50x pathogenic) and LOVD (87x pathogenic, 1x uncertain significance, 2x not classified) and classified as a pathogenic variant in BRCA Exchange database (“Variant allele predicted to encode a truncated non-functional protein”). Based on currently available information, the variant c.3847_3848del is classified as a pathogenic variant according to ClinGen-BRCA1 and BRCA2 Guidelines version 1.0.0.

Blueprint Genetics
Classification: Pathogenic for BRCA2-related disorders. Last evaluated: 2024-10-03. Review status: criteria provided, single submitter. Criteria: ACMG Guidelines, 2015. Collection method: clinical testing. Allele origin: germline. Affected: yes. Observed: 5 variant alleles. Not counted in ClinVar's aggregate classification.

All of Us Research Program, National Institutes of Health
Classification: Pathogenic for BRCA2-related cancer predisposition. Last evaluated: 2024-08-19. Review status: criteria provided, single submitter. Criteria: ACMG Guidelines, 2015. Collection method: clinical testing. Allele origin: germline. Inheritance: Autosomal dominant inheritance. Observed: 12 variant alleles, 12 heterozygotes. Not counted in ClinVar's aggregate classification.
Comment: The c.3847_3848del (p.Val1283Lysfs*2) in the BRCA2 gene is located on the exon 11 and is predicted to result in reading frameshift from the codon 1283 and introduce a premature translation termination codon (p.Val1283Lysfs*2), leading to an absent or disrupted protein product. Loss-of-function variants of BRCA2 are known to be pathogenic (PMID: 8988179, 11897832). This variant was reported in more than 10 unrelated individuals with breast/ovarian/prostate cancer (PMID: 32164353, 29325860, 24814045, 32824581, 33670479, 32778078, 33801055, 32923906). It is one of the frequently observed BRCA2 variants in Caucasian and Jewish populations (PMID: 34022715, 29446198). The variant is reported in ClinVar as pathogenic (ID: 37859). The variant is rare in the general population according to gnomAD (12/235838). Therefore, the c.3847_3848del (p.Val1283Lysfs*2) variant of BRCA2 has been classified as pathogenic.

This study involves interpretation of variants in research participants for the purpose of population health screening. Participant phenotype was not available at the time of variant classification. Additional details can be found in publication PMID: 35346344, PMCID: PMC8962531

Mayo Clinic Laboratories, Mayo Clinic
Classification: Pathogenic. Last evaluated: 2024-08-19. Review status: criteria provided, single submitter. Criteria: ACMG Guidelines, 2015. Collection method: clinical testing. Allele origin: germline. Observed: 7 variant alleles. Not counted in ClinVar's aggregate classification.
Comment: PM3_supporting, PM5_strong, PVS1